The following is an entry in ClinVar:

NM_000286.3(PEX12):c.795C>G (p.Tyr265Ter)

Gene: PEX12 (peroxisomal biogenesis factor 12; minus strand). Cytogenetic location: 17q12.
Variant type: single nucleotide variant.
Coding change: c.795C>G on transcript NM_000286.3 (MANE Select); coding-DNA position 795, C replaced by G.
Protein change: p.Tyr265Ter; replaces tyrosine 265 with a stop codon.
Molecular consequence: nonsense.
Genome position (GRCh38, 1-based): chr17:35,576,067, G>C on the plus strand (C>G on the coding strand, the complement: PEX12 is on the minus strand). VCF-style: chr17-35576067-G-C. GRCh37 (hg19) VCF-style: chr17-33903086-G-C.
Other names: short protein forms Y265*.
Identifiers: ClinVar variation 1367479 (VCV001367479.8), dbSNP rs1429126106, ClinGen allele CA399137362.

ClinVar aggregate classification (germline): Pathogenic (1 of 4 stars; one submission).

Conditions:
Peroxisome biogenesis disorder 3A (Zellweger). Also called: PEROXISOMAL BIOGENESIS DISORDER 3A (ZELLWEGER); Peroxisome biogenesis disorder 3A. Identifiers: Orphanet 912, MedGen C3553929, MONDO:0013927, OMIM 614859.

Submission:

Labcorp Genetics (formerly Invitae), Labcorp
Classification: Pathogenic for Peroxisome biogenesis disorder 3A (Zellweger). Last evaluated: 2020-11-06. Review status: criteria provided, single submitter. Criteria: Invitae Variant Classification Sherloc (09022015). Collection method: clinical testing. Allele origin: germline.
Comment: This sequence change creates a premature translational stop signal (p.Tyr265*) in the PEX12 gene. While this is not anticipated to result in nonsense mediated decay, it is expected to disrupt the last 95 amino acid(s) of the PEX12 protein. This variant is not present in population databases (ExAC no frequency). This variant has not been reported in the literature in individuals with PEX12-related conditions. This variant disrupts the C-terminus of the PEX12 protein. Other variant(s) that disrupt this region (p.Glu347Serfs*6) have been determined to be pathogenic (Invitae). This suggests that variants that disrupt this region of the protein are likely to be causative of disease. For these reasons, this variant has been classified as Pathogenic.